The following is an entry in ClinVar:

ClinVar aggregate classification (germline): Likely benign (1 of 4 stars; one submission).

Submission:

CeGaT Center for Human Genetics Tuebingen
Classification: Likely benign. Last evaluated: 2025-02-01. Review status: criteria provided, single submitter. Criteria: CeGaT Center For Human Genetics Tuebingen Variant Classification Criteria Version 2. Collection method: clinical testing. Allele origin: germline. Affected: yes. Observed: 1 variant allele.
Comment: MUC19: BP4, BP7

NC_000012.12:g.40485466A>G

Gene: MUC19 (mucin 19, oligomeric (gene/pseudogene); plus strand). Cytogenetic location: 12q12.
Variant type: single nucleotide variant.
Genome position: GRCh38 VCF-style: chr12-40485466-A-G. GRCh37 (hg19) VCF-style: chr12-40879268-A-G.
Identifiers: ClinVar variation 3771151 (VCV003771151.13).